The following is an entry in ClinVar:

NM_001378454.1(ALMS1):c.10214-2A>G

Gene: ALMS1 (ALMS1 centrosome and basal body associated protein; plus strand). Cytogenetic location: 2p13.1.
Variant type: single nucleotide variant.
Coding change: c.10214-2A>G on transcript NM_001378454.1 (MANE Select); the canonical splice acceptor site of the intron before coding-DNA position 10214, A replaced by G.
Molecular consequence: splice acceptor variant.
Genome position (GRCh38, 1-based): chr2:73,558,970, A>G. VCF-style: chr2-73558970-A-G. GRCh37 (hg19) VCF-style: chr2-73786097-A-G.
Other names: c.10217-2A>G (NM_015120.4); c.10214-2A>G (NM_015120.4).
Identifiers: ClinVar variation 1345836 (VCV001345836.8), dbSNP rs2104063527, ClinGen allele CA347277564.

ClinVar aggregate classification (germline): Likely pathogenic. Review status: criteria provided, multiple submitters, no conflicts (2 of 4 stars). 2 submissions from 2 submitters: Likely pathogenic (2). Last evaluated 2023-05-23.

Conditions:
Cardiovascular phenotype. Identifiers: MedGen CN230736.
Alstrom syndrome (ALMS). Identifiers: Orphanet 64, MedGen C0268425, MONDO:0008763, OMIM 203800.

Submissions (2):

Ambry Genetics
Classification: Likely pathogenic for Cardiovascular phenotype. Last evaluated: 2023-05-23. Review status: criteria provided, single submitter. Criteria: Ambry Variant Classification Scheme 2023. Collection method: clinical testing. Allele origin: germline.
Comment: The c.10217-2A>G intronic variant results from an A to G substitution two nucleotides upstream from coding exon 15 in the ALMS1 gene. This variant is considered to be rare based on population cohorts in the Genome Aggregation Database (gnomAD). This nucleotide position is highly conserved in available vertebrate species. In silico splice site analysis predicts that this alteration will weaken the native splice acceptor site and will result in the creation or strengthening of a novel splice acceptor site. Alterations that disrupt the canonical splice site are expected to cause aberrant splicing, resulting in an abnormal protein or a transcript that is subject to nonsense-mediated mRNA decay. Based on the majority of available evidence to date, this variant is likely to be pathogenic.

Labcorp Genetics (formerly Invitae), Labcorp
Classification: Likely pathogenic for Alstrom syndrome. Last evaluated: 2021-08-29. Review status: criteria provided, single submitter. Criteria: Invitae Variant Classification Sherloc (09022015). Collection method: clinical testing. Allele origin: germline.
Comment: In summary, the currently available evidence indicates that the variant is pathogenic, but additional data are needed to prove that conclusively. Therefore, this variant has been classified as Likely Pathogenic. This variant has not been reported in the literature in individuals affected with ALMS1-related conditions. This variant is not present in population databases (ExAC no frequency). This sequence change affects an acceptor splice site in intron 14 of the ALMS1 gene. It is expected to disrupt RNA splicing. Variants that disrupt the donor or acceptor splice site typically lead to a loss of protein function (PMID: 16199547), and loss-of-function variants in ALMS1 are known to be pathogenic (PMID: 17594715).

Literature cited by the submitters: PubMed 16199547 (cited by Labcorp Genetics (formerly Invitae), Labcorp); PubMed 17594715 (cited by Labcorp Genetics (formerly Invitae), Labcorp).